The following is an entry in ClinVar:

NM_000161.3(GCH1):c.712C>A (p.Pro238Thr)

Gene: GCH1 (GTP cyclohydrolase 1; minus strand). Cytogenetic location: 14q22.2.
Variant type: single nucleotide variant.
Coding change: c.712C>A on transcript NM_000161.3 (MANE Select); coding-DNA position 712, C replaced by A.
Protein change: p.Pro238Thr; replaces proline 238 with threonine.
Molecular consequence: missense variant. On other transcripts: intron variant (2).
Genome position (GRCh38, 1-based): chr14:54,844,058, G>T on the plus strand (C>A on the coding strand, the complement: GCH1 is on the minus strand). VCF-style: chr14-54844058-G-T. GRCh37 (hg19) VCF-style: chr14-55310776-G-T.
Other names: c.712C>A, p.Pro238Thr (NM_001024024.2); c.627-1004C>A (NM_001024071.2); c.627-189C>A (NM_001024070.2); short protein forms P238T.
Identifiers: ClinVar variation 1482272 (VCV001482272.7), dbSNP rs2140038781, ClinGen allele CA389786715.
Genomic context (GRCh38, chr14:54,844,058, plus strand): 5'-CACACACACTGAATGAAGCTCAGCTCCTAATGAGAGTCAGGAACTCTTCCCGAGTCTTTG[G>T]ATCCTCCCGGAACACACCCAACATTGTGCTGGTCACAGTTTTGCTGTTCATTTTCTGTAC-3'
Protein context (NP_000152.1, residues 228-248): STMLGVFRED[Pro238Thr]KTREEFLTLI

ClinVar aggregate classification (germline): Uncertain significance. Review status: criteria provided, multiple submitters, no conflicts (2 of 4 stars). 2 submissions from 2 submitters: Uncertain significance (2). Last evaluated 2026-02-17.

Conditions:
GTP cyclohydrolase I deficiency. Identifiers: MedGen C0268467, MONDO:0100184.
Dystonia 5 (DRD). Also called: DYSTONIA, PROGRESSIVE, WITH DIURNAL VARIATION; DYSTONIA-PARKINSONISM WITH DIURNAL FLUCTUATION; GTP Cyclohydrolase 1-Deficient Dopa-Responsive Dystonia; Dystonia, DOPA-responsive, with or without hyperphenylalaninemia; DYT-GCH1. Identifiers: Orphanet 98808, MedGen C1851920, MONDO:0007495, OMIM 128230.

Submissions (2):

Women's Health and Genetics/Laboratory Corporation of America, LabCorp
Classification: Uncertain significance. Last evaluated: 2026-02-17. Review status: criteria provided, single submitter. Criteria: LabCorp Variant Classification Summary - May 2015. Collection method: clinical testing. Allele origin: germline.
Comment: Variant summary: GCH1 c.712C>A (p.Pro238Thr) results in a non-conservative amino acid change in the encoded protein sequence. Algorithms developed to predict the effect of missense changes on protein structure and function all suggest that this variant is likely to be disruptive. The variant was absent in 249014 control chromosomes. The available data on variant occurrences in the general population are insufficient to allow any conclusion about variant significance. To our knowledge, no occurrence of c.712C>A in individuals affected with GCH1-related conditions and no experimental evidence demonstrating its impact on protein function have been reported. ClinVar contains an entry for this variant (Variation ID: 1482272). Based on the evidence outlined above, the variant was classified as uncertain significance.

Labcorp Genetics (formerly Invitae), Labcorp
Classification: Uncertain significance for GTP cyclohydrolase I deficiency; Dystonia 5. Last evaluated: 2025-07-02. Review status: criteria provided, single submitter. Criteria: Invitae Variant Classification Sherloc (09022015). Collection method: clinical testing. Allele origin: germline.
Comment: This sequence change replaces proline, which is neutral and non-polar, with threonine, which is neutral and polar, at codon 238 of the GCH1 protein (p.Pro238Thr). This variant is not present in population databases (gnomAD no frequency). This variant has not been reported in the literature in individuals affected with GCH1-related conditions. ClinVar contains an entry for this variant (Variation ID: 1482272). Invitae Evidence Modeling of protein sequence and biophysical properties (such as structural, functional, and spatial information, amino acid conservation, physicochemical variation, residue mobility, and thermodynamic stability) indicates that this missense variant is not expected to disrupt GCH1 protein function with a negative predictive value of 80%. In summary, the available evidence is currently insufficient to determine the role of this variant in disease. Therefore, it has been classified as a Variant of Uncertain Significance.